The following is an entry in ClinVar:

ClinVar aggregate classification (germline): Uncertain significance (1 of 4 stars; one submission).

Conditions:
Familial thoracic aortic aneurysm and aortic dissection (TAAD). Also called: Thoracic aortic aneurysms and dissections. Identifiers: Orphanet 91387, MedGen C4707243, MONDO:0019625.

Submission:

Ambry Genetics
Classification: Uncertain significance for Familial thoracic aortic aneurysm and aortic dissection. Last evaluated: 2025-01-31. Review status: criteria provided, single submitter. Criteria: Ambry Variant Classification Scheme 2023. Collection method: clinical testing. Allele origin: germline.
Comment: The p.W477R variant (also known as c.1429T>C), located in coding exon 4 of the SLC2A10 gene, results from a T to C substitution at nucleotide position 1429. The tryptophan at codon 477 is replaced by arginine, an amino acid with dissimilar properties. This amino acid position is conserved. In addition, the in silico prediction for this alteration is inconclusive. Based on the available evidence, the clinical significance of this variant remains unclear.

NM_030777.4(SLC2A10):c.1429T>C (p.Trp477Arg)

Gene: SLC2A10 (solute carrier family 2 member 10; plus strand). Cytogenetic location: 20q13.12.
Variant type: single nucleotide variant.
Coding change: c.1429T>C on transcript NM_030777.4 (MANE Select); coding-DNA position 1429, T replaced by C.
Protein change: p.Trp477Arg; replaces tryptophan 477 with arginine.
Molecular consequence: missense variant.
Genome position (GRCh38, 1-based): chr20:46,729,370, T>C. VCF-style: chr20-46729370-T-C. GRCh37 (hg19) VCF-style: chr20-45358009-T-C.
Other names: short protein forms W477R.
Identifiers: ClinVar variation 3797359 (VCV003797359.1).